The following is an entry in ClinVar:

ClinVar aggregate classification (germline): Uncertain significance (1 of 4 stars; one submission).

Conditions:
Cardiovascular phenotype. Identifiers: MedGen CN230736.

Allele frequency attached by ClinVar (database versions not stated): TOPMed below 0.00001; gnomAD 0.00001; gnomAD exomes 0.00001.
gnomAD v4.1: 16 of 1,550,270 alleles (0.001%); highest among the groups gnomAD compares: South Asian, 0.018%; 1 homozygote.

Submission:

Ambry Genetics
Classification: Uncertain significance for Cardiovascular phenotype. Last evaluated: 2021-07-15. Review status: criteria provided, single submitter. Criteria: Ambry Variant Classification Scheme 2023. Collection method: clinical testing. Allele origin: germline.
Comment: The p.P259L variant (also known as c.776C>T), located in coding exon 1 of the ZNF469 gene, results from a C to T substitution at nucleotide position 776. The proline at codon 259 is replaced by leucine, an amino acid with similar properties. This amino acid position is conserved. In addition, this alteration is predicted to be tolerated by in silico analysis. Since supporting evidence is limited at this time, the clinical significance of this alteration remains unclear.

NM_001367624.2(ZNF469):c.776C>T (p.Pro259Leu)

Gene: ZNF469 (zinc finger protein 469; plus strand). Cytogenetic location: 16q24.2.
Variant type: single nucleotide variant.
Coding change: c.776C>T on transcript NM_001367624.2 (MANE Select); coding-DNA position 776, C replaced by T.
Protein change: p.Pro259Leu; replaces proline 259 with leucine.
Molecular consequence: missense variant.
Genome position (GRCh38, 1-based): chr16:88,428,246, C>T. VCF-style: chr16-88428246-C-T. GRCh37 (hg19) VCF-style: chr16-88494654-C-T.
Other names: NM_001127464.1:c.776C>T; short protein forms P259L.
Identifiers: ClinVar variation 1760535 (VCV001760535.2), dbSNP rs1259004013, ClinGen allele CA397061931.